The following is an entry in ClinVar:

ClinVar aggregate classification (germline): Uncertain significance (1 of 4 stars; one submission).

Submission:

Ambry Genetics
Classification: Uncertain significance. Last evaluated: 2026-04-12. Review status: criteria provided, single submitter. Criteria: Ambry Variant Classification Scheme 2023. Collection method: clinical testing. Allele origin: germline.
Comment: The p.D88V variant (also known as c.263A>T), located in coding exon 2 of the GFI1 gene, results from an A to T substitution at nucleotide position 263. The aspartic acid at codon 88 is replaced by valine, an amino acid with highly dissimilar properties. This amino acid position is conserved. In addition, the in silico prediction for this alteration is inconclusive. Based on the available evidence, the clinical significance of this variant remains unclear.

NM_005263.5(GFI1):c.263A>T (p.Asp88Val)

Gene: GFI1 (growth factor independent 1 transcriptional repressor; minus strand). Cytogenetic location: 1p22.1.
Variant type: single nucleotide variant.
Coding change: c.263A>T on transcript NM_005263.5 (MANE Select); coding-DNA position 263, A replaced by T.
Protein change: p.Asp88Val; replaces aspartic acid 88 with valine.
Molecular consequence: missense variant.
Genome position (GRCh38, 1-based): chr1:92,482,899, T>A on the plus strand (A>T on the coding strand, the complement: GFI1 is on the minus strand). VCF-style: chr1-92482899-T-A. GRCh37 (hg19) VCF-style: chr1-92948456-T-A.
Other names: c.263A>T, p.Asp88Val (NM_001127215.3, NM_001127216.3); short protein forms D88V.
Identifiers: ClinVar variation 4858036 (VCV004858036.1).